The following is an entry in ClinVar:

NM_004544.4(NDUFA10):c.955A>G (p.Ile319Val)

Gene: NDUFA10 (NADH:ubiquinone oxidoreductase subunit A10; minus strand). Cytogenetic location: 2q37.3.
Variant type: single nucleotide variant.
Coding change: c.955A>G on transcript NM_004544.4 (MANE Select); coding-DNA position 955, A replaced by G.
Protein change: p.Ile319Val; replaces isoleucine 319 with valine.
Molecular consequence: missense variant. On other transcripts: non-coding transcript variant (2), intron variant (1).
Genome position (GRCh38, 1-based): chr2:239,990,118, T>C on the plus strand (A>G on the coding strand, the complement: NDUFA10 is on the minus strand). VCF-style: chr2-239990118-T-C. GRCh37 (hg19) VCF-style: chr2-240929535-T-C.
Other names: c.955A>G, p.Ile319Val (NM_001322019.2, NM_001410987.1); c.890+15092A>G (NM_001322020.2); short protein forms I319V.
Identifiers: ClinVar variation 4704386 (VCV004704386.1).

ClinVar aggregate classification (germline): Uncertain significance (1 of 4 stars; one submission).

gnomAD v4.1: 2 of 1,613,978 alleles (0.00012%); highest among the groups gnomAD compares: Admixed American, 0.0017%; no homozygotes.

Submission:

Labcorp Genetics (formerly Invitae), Labcorp
Classification: Uncertain significance. Last evaluated: 2026-01-20. Review status: criteria provided, single submitter. Criteria: Invitae Variant Classification Sherloc (09022015). Collection method: clinical testing. Allele origin: germline.
Comment: This sequence change replaces isoleucine, which is neutral and non-polar, with valine, which is neutral and non-polar, at codon 319 of the NDUFA10 protein (p.Ile319Val). This variant is present in population databases (no rsID available, gnomAD 0.003%). This variant has not been reported in the literature in individuals affected with NDUFA10-related conditions. Invitae Evidence Modeling of protein sequence and biophysical properties (such as structural, functional, and spatial information, amino acid conservation, physicochemical variation, residue mobility, and thermodynamic stability) indicates that this missense variant is not expected to disrupt NDUFA10 protein function with a negative predictive value of 80%. In summary, the available evidence is currently insufficient to determine the role of this variant in disease. Therefore, it has been classified as a Variant of Uncertain Significance.